The following is an entry in ClinVar:

NM_003119.4(SPG7):c.1664-89_1671del

Gene: SPG7 (SPG7 matrix AAA peptidase subunit, paraplegin; plus strand). Cytogenetic location: 16q24.3.
Variant type: Deletion.
Coding change: c.1664-89_1671del on transcript NM_003119.4 (MANE Select); 89 bases into the intron before coding-DNA position 1664 through coding-DNA position 1671, 97 bases deleted.
Molecular consequence: splice acceptor variant.
Genome position (GRCh38, 1-based): chr16:89,550,405-89,550,501, 97 bases deleted. GRCh37 (hg19): chr16:89,616,813-89,616,909.
Other names: c.1664-89_1671del (NM_001363850.1).
Identifiers: ClinVar variation 4732784 (VCV004732784.1).

ClinVar aggregate classification (germline): Likely pathogenic (1 of 4 stars; one submission).

Conditions:
Hereditary spastic paraplegia 7 (SPG7). Also called: SPASTIC PARAPLEGIA 7, AUTOSOMAL RECESSIVE, WITH OR WITHOUT CEREBELLAR ATAXIA; SPG7-related neurologic disorder; Spastic paraplegia 7; Hereditary spastic paraplegia Paraplegin type; Autosomal recessive spastic paraplegia type 7. Identifiers: Orphanet 99013, MedGen C1846564, MONDO:0011803, OMIM 607259.

Submission:

Labcorp Genetics (formerly Invitae), Labcorp
Classification: Likely pathogenic for Hereditary spastic paraplegia 7. Last evaluated: 2025-12-08. Review status: criteria provided, single submitter. Criteria: Invitae Variant Classification Sherloc (09022015). Collection method: clinical testing. Allele origin: germline.
Comment: This variant results in the deletion of part of exon 13 (c.1664-89_1671del) of the SPG7 gene. It is expected to disrupt RNA splicing. Variants that disrupt the donor or acceptor splice site typically lead to a loss of protein function (PMID: 16199547), and loss-of-function variants in SPG7 are known to be pathogenic (PMID: 21623769, 22964162). This variant is not present in population databases (gnomAD no frequency). This variant has not been reported in the literature in individuals affected with SPG7-related conditions. In summary, the currently available evidence indicates that the variant is pathogenic, but additional data are needed to prove that conclusively. Therefore, this variant has been classified as Likely Pathogenic.

Literature cited by the submitters: PubMed 16199547; PubMed 21623769; PubMed 22964162.